The following is an entry in ClinVar:

ClinVar aggregate classification (germline): Likely pathogenic. Review status: criteria provided, multiple submitters, no conflicts (2 of 4 stars). 2 submissions from 2 submitters: Likely pathogenic (2). Last evaluated 2025-10-22.

Conditions:
MYH7-related disorder. Also called: MYH7-related condition; MYH7-related disease; MYH7-related disorders.
Cardiovascular phenotype. Identifiers: MedGen CN230736.

Allele frequency attached by ClinVar (database versions not stated): gnomAD exomes below 0.00001.
gnomAD v4.1: 1 of 1,614,106 alleles (0.000062%); highest among the groups gnomAD compares: Non-Finnish European, 0.000085%; no homozygotes.

Submissions (2):

3billion
Classification: Likely pathogenic for MYH7-related disorder. Last evaluated: 2025-10-22. Review status: criteria provided, single submitter. Criteria: ACMG Guidelines, 2015. Collection method: clinical testing. Allele origin: germline. Affected: yes.
Comment: The variant is observed at an extremely low frequency in the gnomAD v4.1.0 dataset (total allele frequency: <0.001%). Predicted Consequence/Location: The variant is located in a mutational hot spot and/or well-established functional domain in which established pathogenic variants have been reported (PMID: 29300372). In silico tool predictions suggest damaging effect of the variant on gene or gene product [REVEL: 0.95 (>=0.6, sensitivity 0.68 and specificity 0.92); 3Cnet: 1.00 (> 0.75, sensitivity 0.96 and precision 0.92)]. The same nucleotide change resulting in the same amino acid change has been previously reported to be associated with MYH7-related disorder (ClinVar ID: VCV003230902 /PMID: 25132132).A different missense change at the same codon (p.Ile913Ser) has been reported to be associated with MYH7-related disorder (ClinVar ID: VCV000576107). Therefore, this variant is classified as Likely pathogenic according to the recommendation of ACMG/AMP guideline.

Ambry Genetics
Classification: Likely pathogenic for Cardiovascular phenotype. Last evaluated: 2024-01-12. Review status: criteria provided, single submitter. Criteria: Ambry Variant Classification Scheme 2023. Collection method: clinical testing. Allele origin: germline.
Comment: The p.I913T variant (also known as c.2738T>C), located in coding exon 21 of the MYH7 gene, results from a T to C substitution at nucleotide position 2738. The isoleucine at codon 913 is replaced by threonine, an amino acid with similar properties. This alteration has been reported in association with hypertrophic cardiomyopathy (HCM) (Wang J et al. Eur J Heart Fail, 2014 Sep;16:950-7; Burns C et al. Circ Cardiovasc Genet, 2017 Aug;10:; Walsh R et al. Genet Med, 2017 Feb;19:192-203). This alteration is located in the myosin head domain, which contains a statistically significant clustering of pathogenic missense variants (Homburger JR et al. Proc Natl Acad Sci U S A, 2016 06;113:6701-6; Walsh R et al. Genet Med, 2017 02;19:192-203; Ambry internal data). This variant is considered to be rare based on population cohorts in the Genome Aggregation Database (gnomAD). This amino acid position is highly conserved in available vertebrate species. In addition, this alteration is predicted to be deleterious by in silico analysis. Based on the majority of available evidence to date, this variant is likely to be pathogenic.

Literature cited by the submitters: PubMed 25132132 (cited by 3billion and Ambry Genetics); PubMed 27532257 (cited by Ambry Genetics); PubMed 28408708 (cited by Ambry Genetics); PubMed 28790153 (cited by Ambry Genetics).

NM_000257.4(MYH7):c.2738T>C (p.Ile913Thr)

Gene: MYH7 (myosin heavy chain 7; minus strand). Cytogenetic location: 14q11.2.
Variant type: single nucleotide variant.
Coding change: c.2738T>C on transcript NM_000257.4 (MANE Select); coding-DNA position 2738, T replaced by C.
Protein change: p.Ile913Thr; replaces isoleucine 913 with threonine.
Molecular consequence: missense variant.
Genome position (GRCh38, 1-based): chr14:23,424,091, A>G on the plus strand (T>C on the coding strand, the complement: MYH7 is on the minus strand). VCF-style: chr14-23424091-A-G. GRCh37 (hg19) VCF-style: chr14-23893300-A-G.
Other names: c.2738T>C, p.Ile913Thr (NM_001407004.1); short protein forms I913T.
Identifiers: ClinVar variation 3230902 (VCV003230902.2), dbSNP rs1360649783, ClinGen allele CA389047215.